The following is an entry in ClinVar:

ClinVar aggregate classification (germline): Uncertain significance (1 of 4 stars; one submission).

Conditions:
Fanconi anemia (FA). Also called: Fanconi's anemia. Identifiers: Orphanet 84, MedGen C0015625, MeSH D005199, MONDO:0019391.

Allele frequency attached by ClinVar (database versions not stated): ExAC 0.00001; gnomAD exomes below 0.00001.

Submission:

Labcorp Genetics (formerly Invitae), Labcorp
Classification: Uncertain significance for Fanconi anemia. Last evaluated: 2022-09-07. Review status: criteria provided, single submitter. Criteria: Invitae Variant Classification Sherloc (09022015). Collection method: clinical testing. Allele origin: germline.
Comment: In summary, the available evidence is currently insufficient to determine the role of this variant in disease. Therefore, it has been classified as a Variant of Uncertain Significance. Algorithms developed to predict the effect of missense changes on protein structure and function output the following: SIFT: "Tolerated"; PolyPhen-2: "Benign"; Align-GVGD: "Class C0". The serine amino acid residue is found in multiple mammalian species, which suggests that this missense change does not adversely affect protein function. ClinVar contains an entry for this variant (Variation ID: 1417344). This variant has not been reported in the literature in individuals affected with FANCF-related conditions. This variant is present in population databases (rs756433846, gnomAD 0.0009%). This sequence change replaces asparagine, which is neutral and polar, with serine, which is neutral and polar, at codon 64 of the FANCF protein (p.Asn64Ser).

NM_022725.4(FANCF):c.191A>G (p.Asn64Ser)

Gene: FANCF (FA complementation group F; minus strand). Cytogenetic location: 11p14.3.
Variant type: single nucleotide variant.
Coding change: c.191A>G on transcript NM_022725.4 (MANE Select); coding-DNA position 191, A replaced by G.
Protein change: p.Asn64Ser; replaces asparagine 64 with serine.
Molecular consequence: missense variant.
Genome position (GRCh38, 1-based): chr11:22,625,620, T>C on the plus strand (A>G on the coding strand, the complement: FANCF is on the minus strand). VCF-style: chr11-22625620-T-C. GRCh37 (hg19) VCF-style: chr11-22647166-T-C.
Other names: short protein forms N64S.
Identifiers: ClinVar variation 1417344 (VCV001417344.7), dbSNP rs756433846, ClinGen allele CA5924407.